The following is an entry in ClinVar:

ClinVar aggregate classification (germline): Likely pathogenic (1 of 4 stars; one submission).

Conditions:
Developmental and epileptic encephalopathy, 9 (DEE9). Also called: Early infantile epileptic encephalopathy 9; JUBERG-HELLMAN SYNDROME; EPILEPSY, FEMALE-RESTRICTED, WITH MENTAL RETARDATION; PCDH19-Related X-Linked Female-Limited Epilepsy with Mental Retardation. Identifiers: Orphanet 101039, Orphanet 2076, MedGen C1848137, MONDO:0010246, OMIM 300088. Disease mechanism: loss of function.

Submission:

Labcorp Genetics (formerly Invitae), Labcorp
Classification: Likely pathogenic for Developmental and epileptic encephalopathy, 9. Last evaluated: 2018-10-04. Review status: criteria provided, single submitter. Criteria: Invitae Variant Classification Sherloc (09022015). Collection method: clinical testing. Allele origin: unknown.
Comment: In summary, the currently available evidence indicates that the variant is pathogenic, but additional data are needed to prove that conclusively. Therefore, this variant has been classified as Likely Pathogenic. Loss-of-function variants in PCDH19 are known to be pathogenic (PMID: 21053371). This specific variant has not been reported in the literature in individuals with PCDH19-related disease, although a similar deletion encompassing exons 1-3 has been reported in an individual with epilepsy (PMID: 21053371). This variant is a deletion of the genomic region encompassing part of exon 1 and all of exons 2-3 of the PCDH19 gene. It is expected to disrupt RNA splicing and likely results in an absent or disrupted protein product.

Literature cited by the submitters: PubMed 21053371.

NC_000023.10:g.(?_99640151)_(99663517_?)del

Gene: PCDH19 (protocadherin 19; minus strand). Cytogenetic location: Xq22.1.
Variant type: Deletion.
Identifiers: ClinVar variation 3244948 (VCV003244948.1).